The following is an entry in ClinVar:

NM_006949.4(STXBP2):c.1393C>T (p.Arg465Cys)

Gene: STXBP2 (syntaxin binding protein 2; plus strand). Cytogenetic location: 19p13.2.
Variant type: single nucleotide variant.
Coding change: c.1393C>T on transcript NM_006949.4 (MANE Select); coding-DNA position 1393, C replaced by T.
Protein change: p.Arg465Cys; replaces arginine 465 with cysteine.
Molecular consequence: missense variant. On other transcripts: non-coding transcript variant (1).
Genome position (GRCh38, 1-based): chr19:7,646,285, C>T. VCF-style: chr19-7646285-C-T. GRCh37 (hg19) VCF-style: chr19-7711171-C-T.
Other names: c.1384C>T, p.Arg462Cys (NM_001127396.3); c.1426C>T, p.Arg476Cys (NM_001272034.2); short protein forms R465C, R462C, R476C.
Identifiers: ClinVar variation 538149 (VCV000538149.16), dbSNP rs542557411, ClinGen allele CA9144138.
Genomic context (GRCh38, chr19:7,646,285, plus strand): 5'-CTGCCCTCCCTGCCCTGCCTGTAGGGCTCGGGGACCTCCAGCCGGCTGGAGCCGAGAGAA[C>T]GCATGGAGCCCACCTATCAGCTGTCCCGCTGGACCCCGGTCATCAAGGATGTAATGGAGG-3'
Protein context (NP_008880.2, residues 455-475): GTSSRLEPRE[Arg465Cys]MEPTYQLSRW

ClinVar aggregate classification (germline): Conflicting classifications of pathogenicity. Review status: criteria provided, conflicting classifications (1 of 4 stars). 5 submissions from 5 submitters: Uncertain significance (4); Likely benign (1). Last evaluated 2026-01-22.

Conditions:
Familial hemophagocytic lymphohistiocytosis 5. Also called: STXBP2-Related Familial Hemophagocytic Lymphohistiocytosis (STXBP2-fHLH). Identifiers: Orphanet 540, MedGen C2751293, MONDO:0013135, OMIM 613101.

Allele frequency attached by ClinVar (database versions not stated): ExAC 0.00010; TOPMed 0.00011; gnomAD 0.00012; gnomAD exomes 0.00012; 1000 Genomes Project 30x 0.00016; 1000 Genomes Project 0.00020.
gnomAD v4.1: 96 of 1,611,300 alleles (0.006%); highest among the groups gnomAD compares: Admixed American, 0.05%; no homozygotes.

Submissions (5):

Labcorp Genetics (formerly Invitae), Labcorp
Classification: Likely benign for Familial hemophagocytic lymphohistiocytosis 5. Last evaluated: 2026-01-22. Review status: criteria provided, single submitter. Criteria: Invitae Variant Classification Sherloc (09022015). Collection method: clinical testing. Allele origin: germline.

Center for Genomic Medicine, Rigshospitalet, Copenhagen University Hospital
Classification: Uncertain significance. Last evaluated: 2025-03-04. Review status: criteria provided, single submitter. Criteria: ACMG Guidelines, 2015. Collection method: clinical testing. Allele origin: germline.

Blueprint Genetics
Classification: Uncertain significance. Last evaluated: 2024-10-07. Review status: criteria provided, single submitter. Criteria: ACMG Guidelines, 2015. Collection method: clinical testing. Allele origin: germline.

Women's Health and Genetics/Laboratory Corporation of America, LabCorp
Classification: Uncertain significance. Last evaluated: 2024-03-18. Review status: criteria provided, single submitter. Criteria: LabCorp Variant Classification Summary - May 2015. Collection method: clinical testing. Allele origin: germline.
Comment: Variant summary: STXBP2 c.1393C>T (p.Arg465Cys) results in a non-conservative amino acid change in the encoded protein sequence. Five of five in-silico tools predict a damaging effect of the variant on protein function. The variant allele was found at a frequency of 0.00012 in 241660 control chromosomes. This frequency is not significantly higher than estimated for a pathogenic variant in STXBP2 causing Familial Hemophagocytic Lymphohistiocytosis (0.00012 vs 0.0022), allowing no conclusion about variant significance. c.1393C>T has been reported in the literature in an individual affected with Familial Hemophagocytic Lymphohistiocytosis (Miao_2019). This report does not provide unequivocal conclusions about association of the variant with Familial Hemophagocytic Lymphohistiocytosis. To our knowledge, no experimental evidence demonstrating an impact on protein function has been reported. The following publication have been ascertained in the context of this evaluation (PMID: 30899265). ClinVar contains an entry for this variant (Variation ID: 538149). Based on the evidence outlined above, the variant was classified as uncertain significance.

Fulgent Genetics
Classification: Uncertain significance for Familial hemophagocytic lymphohistiocytosis 5. Last evaluated: 2021-11-01. Review status: criteria provided, single submitter. Criteria: ACMG Guidelines, 2015. Collection method: clinical testing. Allele origin: unknown.

Literature cited by the submitters: PubMed 30899265 (cited by Center for Genomic Medicine, Rigshospitalet, Copenhagen University Hospital and Women's Health and Genetics/Laboratory Corporation of America, LabCorp).